The following is an entry in ClinVar:

ClinVar aggregate classification (germline): Uncertain significance. Review status: criteria provided, multiple submitters, no conflicts (2 of 4 stars). 3 submissions from 3 submitters: Uncertain significance (2). 1 of the submissions does not count toward it. Last evaluated 2025-07-21.

Conditions:
Lennox-Gastaut syndrome. Also called: Epileptic encephalopathy Lennox-Gastaut type. Identifiers: Orphanet 2382, MedGen C0238111, MONDO:0016532.
Seizures, benign familial infantile, 3 (BFIS3). Also called: Familial neonatal seizures; CONVULSIONS, BENIGN FAMILIAL INFANTILE, 3. Identifiers: Orphanet 140927, Orphanet 306, MedGen C1843140, MONDO:0011904, OMIM 607745.
Developmental and epileptic encephalopathy, 11 (DEE11). Also called: Early infantile epileptic encephalopathy 11. Identifiers: Orphanet 1934, MedGen C3150987, MONDO:0013388, OMIM 613721.

Allele frequency attached by ClinVar (database versions not stated): gnomAD exomes below 0.00001; gnomAD 0.00001; TOPMed 0.00001.
gnomAD v4.1: 4 of 1,545,030 alleles (0.00026%); highest among the groups gnomAD compares: Admixed American, 0.0017%; no homozygotes.

Submissions (3):

GeneDx
Classification: Uncertain significance. Last evaluated: 2025-07-21. Review status: criteria provided, single submitter. Criteria: GeneDx Variant Classification Process June 2021. Collection method: clinical testing. Allele origin: germline. Affected: yes.
Comment: Identified in a patient with epilepsy in published literature; however, clinical details and segregation data were not provided (PMID: 40565516); Not observed at significant frequency in large population cohorts (gnomAD); In silico analysis supports that this missense variant has a deleterious effect on protein structure/function; This substitution is predicted to be within the N-terminal cytoplasmic domain; This variant is associated with the following publications: (PMID: 40565516)

Labcorp Genetics (formerly Invitae), Labcorp
Classification: Uncertain significance for Seizures, benign familial infantile, 3; Developmental and epileptic encephalopathy, 11. Last evaluated: 2022-03-18. Review status: criteria provided, single submitter. Criteria: Invitae Variant Classification Sherloc (09022015). Collection method: clinical testing. Allele origin: germline.
Comment: In summary, the available evidence is currently insufficient to determine the role of this variant in disease. Therefore, it has been classified as a Variant of Uncertain Significance. This variant is not present in population databases (gnomAD no frequency). This sequence change replaces threonine, which is neutral and polar, with methionine, which is neutral and non-polar, at codon 90 of the SCN2A protein (p.Thr90Met). This variant has not been reported in the literature in individuals affected with SCN2A-related conditions. Algorithms developed to predict the effect of missense changes on protein structure and function are either unavailable or do not agree on the potential impact of this missense change (SIFT: "Deleterious"; PolyPhen-2: "Possibly Damaging"; Align-GVGD: "Class C0").

Department of Neurology, Children’s Hospital of Chongqing Medical University
Classification: Uncertain significance for Lennox-Gastaut syndrome. Review status: no assertion criteria provided. Criteria: ACMG Guidelines, 2015. Collection method: research. Allele origin: maternal. Affected: yes. Not counted in ClinVar's aggregate classification.

NM_001040142.2(SCN2A):c.269C>T (p.Thr90Met)

Gene: SCN2A (sodium voltage-gated channel alpha subunit 2; plus strand). Cytogenetic location: 2q24.3.
Variant type: single nucleotide variant.
Coding change: c.269C>T on transcript NM_001040142.2 (MANE Select); coding-DNA position 269, C replaced by T.
Protein change: p.Thr90Met; replaces threonine 90 with methionine.
Molecular consequence: missense variant.
Genome position (GRCh38, 1-based): chr2:165,297,018, C>T. VCF-style: chr2-165297018-C-T. GRCh37 (hg19) VCF-style: chr2-166153528-C-T.
Other names: c.269C>T, p.Thr90Met (NM_001040143.2, NM_001371246.1, NM_001371247.1 and 1 more transcripts); c.269C>T (NM_021007.2); short protein forms T90M.
Identifiers: ClinVar variation 1708030 (VCV001708030.13), dbSNP rs1696547646, ClinGen allele CA349011236.